The following is an entry in ClinVar:

NM_004385.5(VCAN):c.6199G>A (p.Glu2067Lys)

Genes: VCAN (versican; plus strand), VCAN-AS1 (VCAN antisense RNA 1; minus strand). Cytogenetic location: 5q14.3.
Variant type: single nucleotide variant.
Coding change: c.6199G>A on transcript NM_004385.5 (MANE Select); coding-DNA position 6199, G replaced by A.
Protein change: p.Glu2067Lys; replaces glutamic acid 2067 with lysine.
Molecular consequence: missense variant. On other transcripts: intron variant (2).
Genome position (GRCh38, 1-based): chr5:83,539,202, G>A. VCF-style: chr5-83539202-G-A. GRCh37 (hg19) VCF-style: chr5-82835021-G-A.
Other names: c.6199G>A (NM_004385.4); c.3238G>A, p.Glu1080Lys (NM_001164097.2); c.4004-6335G>A (NM_001164098.2); c.1043-6335G>A (NM_001126336.3); short protein forms E1080K, E2067K.
Identifiers: ClinVar variation 1477774 (VCV001477774.9), dbSNP rs756214453, ClinGen allele CA3333449.
Genomic context (GRCh38, chr5:83,539,202, plus strand): 5'-GAAGTGGGTACTGTCAATGAAATTGATAGAAGATCCACCATTTTACCAACAGCAGAAGTG[G>A]AAGGTACGAAAGCTCCAGTAGAGAAGGAGGAAGTAAAGGTCAGTGGCACAGTTTCAACAA-3'
Protein context (NP_004376.2, residues 2057-2077): RSTILPTAEV[Glu2067Lys]GTKAPVEKEE

ClinVar aggregate classification (germline): Uncertain significance. Review status: criteria provided, multiple submitters, no conflicts (2 of 4 stars). 2 submissions from 2 submitters: Uncertain significance (2). Last evaluated 2025-10-03.

Conditions:
VCAN-related disorder. Also called: VCAN-related condition.

Allele frequency attached by ClinVar (database versions not stated): ExAC 0.00001; gnomAD exomes 0.00001 and 0.00003.

Submissions (2):

PreventionGenetics, part of Exact Sciences
Classification: Uncertain significance for VCAN-related condition. Last evaluated: 2025-10-03. Review status: criteria provided, single submitter. Criteria: ACMG Guidelines, 2015. Collection method: clinical testing. Allele origin: germline.
Comment: The VCAN c.6199G>A variant is predicted to result in the amino acid substitution p.Glu2067Lys. To our knowledge, this variant has not been reported in the literature. This variant is reported in 0.0026% of alleles in individuals of European (Non-Finnish) descent in gnomAD. At this time, the clinical significance of this variant is uncertain due to the absence of conclusive functional and genetic evidence.

Labcorp Genetics (formerly Invitae), Labcorp
Classification: Uncertain significance. Last evaluated: 2021-02-20. Review status: criteria provided, single submitter. Criteria: Invitae Variant Classification Sherloc (09022015). Collection method: clinical testing. Allele origin: germline.
Comment: In summary, the available evidence is currently insufficient to determine the role of this variant in disease. Therefore, it has been classified as a Variant of Uncertain Significance. Algorithms developed to predict the effect of missense changes on protein structure and function output the following: SIFT: "Tolerated"; PolyPhen-2: "Benign"; Align-GVGD: "Class C0". The lysine amino acid residue is found in multiple mammalian species, suggesting that this missense change does not adversely affect protein function. These predictions have not been confirmed by published functional studies and their clinical significance is uncertain. This variant has not been reported in the literature in individuals with VCAN-related conditions. This variant is present in population databases (rs756214453, ExAC 0.002%). This sequence change replaces glutamic acid with lysine at codon 2067 of the VCAN protein (p.Glu2067Lys). The glutamic acid residue is moderately conserved and there is a small physicochemical difference between glutamic acid and lysine.